The following is an entry in ClinVar:

ClinVar aggregate classification (germline): Uncertain significance (1 of 4 stars; one submission).

Conditions:
Danon disease. Also called: ANTOPOL DISEASE; GSD IIb; LYSOSOMAL GLYCOGEN STORAGE DISEASE WITHOUT ACID MALTASE DEFICIENCY; PSEUDOGLYCOGENOSIS II; Glycogen Storage Disease Type IIb. Identifiers: Orphanet 34587, MedGen C0878677, MONDO:0010281, OMIM 300257.

Submission:

Labcorp Genetics (formerly Invitae), Labcorp
Classification: Uncertain significance for Danon disease. Last evaluated: 2022-06-08. Review status: criteria provided, single submitter. Criteria: Invitae Variant Classification Sherloc (09022015). Collection method: clinical testing. Allele origin: germline.
Comment: This sequence change replaces glutamine, which is neutral and polar, with glutamic acid, which is acidic and polar, at codon 344 of the LAMP2 protein (p.Gln344Glu). This variant is not present in population databases (gnomAD no frequency). This variant has not been reported in the literature in individuals affected with LAMP2-related conditions. Algorithms developed to predict the effect of missense changes on protein structure and function (SIFT, PolyPhen-2, Align-GVGD) all suggest that this variant is likely to be tolerated. In summary, the available evidence is currently insufficient to determine the role of this variant in disease. Therefore, it has been classified as a Variant of Uncertain Significance.

NM_002294.3(LAMP2):c.1030C>G (p.Gln344Glu)

Gene: LAMP2 (lysosome associated membrane protein 2; minus strand). Cytogenetic location: Xq24.
Variant type: single nucleotide variant.
Coding change: c.1030C>G on transcript NM_002294.3 (MANE Select); coding-DNA position 1030, C replaced by G.
Protein change: p.Gln344Glu; replaces glutamine 344 with glutamic acid.
Molecular consequence: missense variant.
Genome position (GRCh38, 1-based): chrX:120,441,793, G>C on the plus strand (C>G on the coding strand, the complement: LAMP2 is on the minus strand). VCF-style: chrX-120441793-G-C. GRCh37 (hg19) VCF-style: chrX-119575648-G-C.
Other names: c.1030C>G, p.Gln344Glu (NM_001122606.1, NM_013995.2); short protein forms Q344E.
Identifiers: ClinVar variation 2165737 (VCV002165737.4), dbSNP rs2520859771, ClinGen allele CA414400024.